The following is an entry in ClinVar:

NM_001401501.2(MUC16):c.37764C>T (p.Thr12588=)

Gene: MUC16 (mucin 16, cell surface associated; minus strand). Cytogenetic location: 19p13.2.
Variant type: single nucleotide variant.
Coding change: c.37764C>T on transcript NM_001401501.2 (MANE Select); coding-DNA position 37764, C replaced by T.
Protein change: p.Thr12588=; no amino-acid change (threonine 12588 retained).
Molecular consequence: synonymous variant.
Genome position (GRCh38, 1-based): chr19:8,908,633, G>A on the plus strand (C>T on the coding strand, the complement: MUC16 is on the minus strand). VCF-style: chr19-8908633-G-A. GRCh37 (hg19) VCF-style: chr19-9019309-G-A.
Other names: c.38190C>T, p.Thr12730= (NM_001414686.1); c.37644C>T, p.Thr12548= (NM_001414687.1); c.37578C>T, p.Thr12526= (NM_024690.2).
Identifiers: ClinVar variation 3038982 (VCV003038982.2), dbSNP rs189246605, ClinGen allele CA9165062.

ClinVar aggregate classification (germline): Benign (0 of 4 stars; one submission).

Conditions:
MUC16-related disorder. Also called: MUC16-related condition.

Allele frequency attached by ClinVar (database versions not stated): gnomAD exomes 0.00019; ExAC 0.00053; 1000 Genomes Project 30x 0.00094; 1000 Genomes Project 0.00120; ESP Exome Variant Server 0.00191; gnomAD 0.00222.

Submission:

PreventionGenetics, part of Exact Sciences
Classification: Benign for MUC16-related condition. Last evaluated: 2019-05-24. Review status: no assertion criteria provided. Collection method: clinical testing. Allele origin: germline.
Comment: This variant is classified as benign based on ACMG/AMP sequence variant interpretation guidelines (Richards et al. 2015 PMID: 25741868, with internal and published modifications).